The following is an entry in ClinVar:

ClinVar aggregate classification (germline): Benign (1 of 4 stars; one submission).

Allele frequency attached by ClinVar (database versions not stated): TOPMed 0.22087; gnomAD 0.22675 and 0.22750; 1000 Genomes Project 0.24720; 1000 Genomes Project 30x 0.24938.
gnomAD v4.1: 34,484 of 152,066 alleles (23%); highest among the groups gnomAD compares: Middle Eastern, 32%; 4,305 homozygotes.

Submission:

GeneDx
Classification: Benign. Last evaluated: 2018-06-15. Review status: criteria provided, single submitter. Criteria: GeneDx Variant Classification (06012015). Collection method: clinical testing. Allele origin: germline. Affected: yes.
Comment: This variant is considered likely benign or benign based on one or more of the following criteria: it is a conservative change, it occurs at a poorly conserved position in the protein, it is predicted to be benign by multiple in silico algorithms, and/or has population frequency not consistent with disease.

NM_020297.4(ABCC9):c.4512+533C>G

Genes: ABCC9 (ATP binding cassette subfamily C member 9; minus strand), KCNJ8-AS1 (KCNJ8 antisense RNA 1; plus strand). Cytogenetic location: 12p12.1.
Variant type: single nucleotide variant.
Coding change: c.4512+533C>G on transcript NM_020297.4 (MANE Select); 533 bases into the intron after coding-DNA position 4512, C replaced by G.
Molecular consequence: intron variant.
Genome position (GRCh38, 1-based): chr12:21,805,465, G>C on the plus strand (C>G on the coding strand, the complement: ABCC9 is on the minus strand). VCF-style: chr12-21805465-G-C. GRCh37 (hg19) VCF-style: chr12-21958399-G-C.
Other names: c.3645+533C>G (NM_001377274.1); c.4513-154C>G (NM_005691.4); c.4512+533C>G (NM_001377273.1).
Identifiers: ClinVar variation 672441 (VCV000672441.1), dbSNP rs829060, ClinGen allele CA13663909.